The following is an entry in ClinVar:

ClinVar aggregate classification (germline): Uncertain significance. Review status: criteria provided, multiple submitters, no conflicts (2 of 4 stars). 2 submissions from 2 submitters: Uncertain significance (2). Last evaluated 2021-12-29.

Conditions:
Congenital adrenal hyperplasia due to cytochrome P450 oxidoreductase deficiency. Also called: DISORDERED STEROIDOGENESIS DUE TO POR DEFICIENCY. Identifiers: Orphanet 95699, MedGen C1860042, MONDO:0013310, OMIM 613571.
Antley-Bixler syndrome with genital anomalies and disordered steroidogenesis (ABS1). Also called: POR Deficiency. Identifiers: Orphanet 63269, MedGen C3150099, MONDO:0008726, OMIM 201750.
Antley-Bixler syndrome without genital anomalies or disordered steroidogenesis (ABS2). Also called: Antley-Bixler Syndrome, Autosomal Dominant; MULTISYNOSTOTIC OSTEODYSGENESIS WITH LONG BONE FRACTURES; Trapezoidocephaly synostosis syndrome; Osteodysgenesis, multisynostotic with fractures. Identifiers: Orphanet 596008, Orphanet 83, MedGen C2936791, MONDO:0020667, OMIM 207410.

Submissions (2):

Labcorp Genetics (formerly Invitae), Labcorp
Classification: Uncertain significance for Congenital adrenal hyperplasia due to cytochrome P450 oxidoreductase deficiency. Last evaluated: 2021-12-29. Review status: criteria provided, single submitter. Criteria: Invitae Variant Classification Sherloc (09022015). Collection method: clinical testing. Allele origin: germline.
Comment: This sequence change replaces glycine, which is neutral and non-polar, with serine, which is neutral and polar, at codon 486 of the POR protein (p.Gly486Ser). Information on the frequency of this variant in the gnomAD database is not available, as this variant may be reported differently in the database. This variant has not been reported in the literature in individuals affected with POR-related conditions. Experimental studies and prediction algorithms are not available or were not evaluated, and the functional significance of this variant is currently unknown. In summary, the available evidence is currently insufficient to determine the role of this variant in disease. Therefore, it has been classified as a Variant of Uncertain Significance.

Fulgent Genetics
Classification: Uncertain significance for Antley-Bixler syndrome with genital anomalies and disordered steroidogenesis; Antley-Bixler syndrome without genital anomalies or disordered steroidogenesis; Congenital adrenal hyperplasia due to cytochrome P450 oxidoreductase deficiency. Last evaluated: 2021-12-20. Review status: criteria provided, single submitter. Criteria: ACMG Guidelines, 2015. Collection method: clinical testing. Allele origin: unknown.

NM_001395413.1(POR):c.1446_1447inv (p.Gly483Ser)

Gene: POR (cytochrome p450 oxidoreductase; plus strand). Cytogenetic location: 7q11.23.
Variant type: Inversion.
Coding change: c.1446_1447inv on transcript NM_001395413.1 (MANE Select).
Protein change: p.Gly483Ser; replaces glycine 483 with serine.
Molecular consequence: missense variant.
Genome position: GRCh38 VCF-style: chr7-75985635-TG-CA. GRCh37 (hg19) VCF-style: chr7-75614953-TG-CA.
Other names: c.1455_1456delinsCA (NM_000941.2); c.1446_1447inv, p.Gly483Ser (NM_001367562.3, NM_001382657.2, NM_001382658.3 and 1 more transcripts); c.1500_1501inv, p.Gly501Ser (NM_001382655.3); c.1296_1297inv, p.Gly433Ser (NM_001382662.3); short protein forms G433S, G483S, G501S.
Identifiers: ClinVar variation 1401323 (VCV001401323.7), ClinGen allele CA2573142347.